The following is an entry in ClinVar:

ClinVar aggregate classification (germline): Pathogenic (1 of 4 stars; one submission).

Submission:

Labcorp Genetics (formerly Invitae), Labcorp
Classification: Pathogenic. Last evaluated: 2023-09-19. Review status: criteria provided, single submitter. Criteria: Invitae Variant Classification Sherloc (09022015). Collection method: clinical testing. Allele origin: germline.
Comment: This sequence change creates a premature translational stop signal (p.Pro16Argfs*3) in the TRAPPC2 gene. It is expected to result in an absent or disrupted protein product. Loss-of-function variants in TRAPPC2 are known to be pathogenic (PMID: 11349230). For these reasons, this variant has been classified as Pathogenic. This variant has not been reported in the literature in individuals affected with TRAPPC2-related conditions. This variant is not present in population databases (gnomAD no frequency).

Literature cited by the submitters: PubMed 11349230.

NM_001011658.4(TRAPPC2):c.47_48del (p.Pro16fs)

Genes: OFD1 (OFD1 centriole and centriolar satellite protein; plus strand), TRAPPC2 (trafficking protein particle complex subunit 2; minus strand). Cytogenetic location: Xp22.2.
Variant type: Deletion.
Coding change: c.47_48del on transcript NM_001011658.4 (MANE Select); coding-DNA positions 47 to 48, 2 bases deleted (CA; older notation c.47_48delCA).
Protein change: p.Pro16fs; shifts the reading frame from proline 16.
Molecular consequence: frameshift variant.
Genome position (GRCh38, 1-based): chrX:13,719,916-13,719,917, TG deleted on the plus strand (CA on the coding strand, the reverse complement: TRAPPC2 is on the minus strand). VCF-style (leftmost placement, unchanged base first): chrX-13719915-CTG-C. GRCh37 (hg19) VCF-style: chrX-13738034-CTG-C.
Other names: c.149_150del, p.Pro50fs (NM_001128835.3); c.47_48del, p.Pro16fs (NM_014563.6); short protein forms P50fs, P16fs.
Identifiers: ClinVar variation 2748862 (VCV002748862.3), dbSNP rs2518644198, ClinGen allele CA2697552854.